The following is an entry in ClinVar:

NM_001211.6(BUB1B):c.1763G>A (p.Ser588Asn)

Gene: BUB1B (BUB1 mitotic checkpoint serine/threonine kinase B; plus strand). Cytogenetic location: 15q15.1.
Variant type: single nucleotide variant.
Coding change: c.1763G>A on transcript NM_001211.6 (MANE Select); coding-DNA position 1763, G replaced by A.
Protein change: p.Ser588Asn; replaces serine 588 with asparagine.
Molecular consequence: missense variant.
Genome position (GRCh38, 1-based): chr15:40,206,212, G>A. VCF-style: chr15-40206212-G-A. GRCh37 (hg19) VCF-style: chr15-40498413-G-A.
Other names: short protein forms S588N.
Identifiers: ClinVar variation 2864270 (VCV002864270.4), dbSNP rs2037634227, ClinGen allele CA391692251.

ClinVar aggregate classification (germline): Uncertain significance. Review status: criteria provided, multiple submitters, no conflicts (2 of 4 stars). 2 submissions from 2 submitters: Uncertain significance (2). Last evaluated 2024-03-09.

Conditions:
Mosaic variegated aneuploidy syndrome 1 (MVA1). Also called: Warburton-Anyane-Yeboa syndrome. Identifiers: Orphanet 1052, MedGen C1850343, MONDO:0009759, OMIM 257300.
Inborn genetic diseases. Identifiers: MedGen C0950123, MeSH D030342.

Allele frequency attached by ClinVar (database versions not stated): gnomAD exomes below 0.00001; TOPMed below 0.00001.
gnomAD v4.1: 5 of 1,614,144 alleles (0.00031%); highest among the groups gnomAD compares: Non-Finnish European, 0.00042%; no homozygotes.

Submissions (2):

Ambry Genetics
Classification: Uncertain significance for Inborn genetic diseases. Last evaluated: 2024-03-09. Review status: criteria provided, single submitter. Criteria: Ambry Variant Classification Scheme 2023. Collection method: clinical testing. Allele origin: germline.
Comment: The p.S588N variant (also known as c.1763G>A), located in coding exon 15 of the BUB1B gene, results from a G to A substitution at nucleotide position 1763. The serine at codon 588 is replaced by asparagine, an amino acid with highly similar properties. This amino acid position is conserved. In addition, this alteration is predicted to be tolerated by in silico analysis. Based on the available evidence, the clinical significance of this alteration remains unclear.

Labcorp Genetics (formerly Invitae), Labcorp
Classification: Uncertain significance for Mosaic variegated aneuploidy syndrome 1. Last evaluated: 2023-09-10. Review status: criteria provided, single submitter. Criteria: Invitae Variant Classification Sherloc (09022015). Collection method: clinical testing. Allele origin: germline.
Comment: This sequence change replaces serine, which is neutral and polar, with asparagine, which is neutral and polar, at codon 588 of the BUB1B protein (p.Ser588Asn). In summary, the available evidence is currently insufficient to determine the role of this variant in disease. Therefore, it has been classified as a Variant of Uncertain Significance. An algorithm developed to predict the effect of missense changes on protein structure and function (PolyPhen-2) suggests that this variant is likely to be tolerated. This variant has not been reported in the literature in individuals affected with BUB1B-related conditions. This variant is not present in population databases (gnomAD no frequency).